The following is an entry in ClinVar:

ClinVar aggregate classification (germline): Uncertain significance (1 of 4 stars; one submission).

Conditions:
Cardiomyopathy (CMYO). Also called: Cardiomyopathies. Identifiers: Orphanet 167848, MedGen C0878544, MONDO:0004994, HP:0001638. Inheritance: Various modes of inheritance.

Submission:

Color Diagnostics, LLC DBA Color Health
Classification: Uncertain significance for Cardiomyopathy. Last evaluated: 2024-03-06. Review status: criteria provided, single submitter. Criteria: ACMG Guidelines, 2015. Collection method: clinical testing. Allele origin: germline.
Comment: This variant is located in the RYR2 protein. Computational prediction suggests that this variant may have deleterious impact on protein structure and function (internally defined REVEL score threshold >= 0.7, PMID: 27666373). To our knowledge, functional studies have not been reported for this variant. This variant has not been reported in individuals affected with cardiovascular disorders in the literature. This variant has not been identified in the general population by the Genome Aggregation Database (gnomAD). The available evidence is insufficient to determine the role of this variant in disease conclusively. Therefore, this variant is classified as a Variant of Uncertain Significance.

NM_001035.3(RYR2):c.3056G>T (p.Gly1019Val)

Gene: RYR2 (ryanodine receptor 2; plus strand). Cytogenetic location: 1q43.
Variant type: single nucleotide variant.
Coding change: c.3056G>T on transcript NM_001035.3 (MANE Select); coding-DNA position 3056, G replaced by T.
Protein change: p.Gly1019Val; replaces glycine 1019 with valine.
Molecular consequence: missense variant.
Genome position (GRCh38, 1-based): chr1:237,548,580, G>T. VCF-style: chr1-237548580-G-T. GRCh37 (hg19) VCF-style: chr1-237711880-G-T.
Other names: short protein forms G1019V.
Identifiers: ClinVar variation 926836 (VCV000926836.4), dbSNP rs768150796, ClinGen allele CA345393758.